The following is an entry in ClinVar:

NM_000414.4(HSD17B4):c.740T>A (p.Leu247Ter)

Gene: HSD17B4 (hydroxysteroid 17-beta dehydrogenase 4; plus strand). Cytogenetic location: 5q23.1.
Variant type: single nucleotide variant.
Coding change: c.740T>A on transcript NM_000414.4 (MANE Select); coding-DNA position 740, T replaced by A.
Protein change: p.Leu247Ter; replaces leucine 247 with a stop codon.
Molecular consequence: nonsense. On other transcripts: non-coding transcript variant (2).
Genome position (GRCh38, 1-based): chr5:119,493,818, T>A. VCF-style: chr5-119493818-T-A. GRCh37 (hg19) VCF-style: chr5-118829513-T-A.
Other names: c.815T>A, p.Leu272Ter (NM_001199291.3); c.686T>A, p.Leu229Ter (NM_001199292.2); c.668T>A, p.Leu223Ter (NM_001292027.2); c.320T>A, p.Leu107Ter (NM_001292028.2); c.731T>A, p.Leu244Ter (NM_001374497.1); c.740T>A, p.Leu247Ter (NM_001374498.1); c.413T>A, p.Leu138Ter (NM_001374499.1); c.299T>A, p.Leu100Ter (NM_001374500.1); and 1 more; short protein forms L100*, L107*, L110*, L138*, L223*, L229*, L244*, L247*.
Identifiers: ClinVar variation 2676155 (VCV002676155.4), dbSNP rs144141837, ClinGen allele CA3381976.

ClinVar aggregate classification (germline): Pathogenic/Likely pathogenic. Review status: criteria provided, multiple submitters, no conflicts (2 of 4 stars). 2 submissions from 2 submitters: Pathogenic (1); Likely pathogenic (1). Last evaluated 2023-07-25.

Conditions:
Bifunctional peroxisomal enzyme deficiency (DBIF). Also called: DBP DEFICIENCY; D-bifunctional protein deficiency; PBFE DEFICIENCY. Identifiers: Orphanet 300, MedGen C0342870, MONDO:0009855, OMIM 261515. Disease mechanism: loss of function.
Perrault syndrome. Also called: Gonadal dysgenesis with auditory dysfunction, autosomal recessive inheritance. Identifiers: Orphanet 2855, MedGen C0685838, MONDO:0017312.

Allele frequency attached by ClinVar (database versions not stated): TOPMed below 0.00001; ExAC 0.00001; gnomAD 0.00001; ESP Exome Variant Server 0.00008.
gnomAD v4.1: 1 of 1,612,734 alleles (0.000062%); highest among the groups gnomAD compares: Non-Finnish European, 0.000085%; no homozygotes.

Submissions (2):

Labcorp Genetics (formerly Invitae), Labcorp
Classification: Pathogenic for Perrault syndrome; Bifunctional peroxisomal enzyme deficiency. Last evaluated: 2023-07-25. Review status: criteria provided, single submitter. Criteria: Invitae Variant Classification Sherloc (09022015). Collection method: clinical testing. Allele origin: germline.
Comment: For these reasons, this variant has been classified as Pathogenic. This variant has not been reported in the literature in individuals affected with HSD17B4-related conditions. This variant is present in population databases (rs144141837, gnomAD 0.0009%). This sequence change creates a premature translational stop signal (p.Leu247*) in the HSD17B4 gene. It is expected to result in an absent or disrupted protein product. Loss-of-function variants in HSD17B4 are known to be pathogenic (PMID: 11810648, 16385454, 20673864).

Baylor Genetics
Classification: Likely pathogenic for Bifunctional peroxisomal enzyme deficiency. Last evaluated: 2023-04-13. Review status: criteria provided, single submitter. Criteria: ACMG Guidelines, 2015. Collection method: clinical testing. Allele origin: unknown.

Literature cited by the submitters: PubMed 11810648 (cited by Labcorp Genetics (formerly Invitae), Labcorp); PubMed 16385454 (cited by Labcorp Genetics (formerly Invitae), Labcorp); PubMed 20673864 (cited by Labcorp Genetics (formerly Invitae), Labcorp).